The following is an entry in ClinVar:

NC_000019.9:g.(?_603544)_(610405_?)dup

Gene: HCN2 (hyperpolarization activated cyclic nucleotide gated potassium and sodium channel 2; plus strand). Cytogenetic location: 19p13.3.
Variant type: Duplication.
Identifiers: ClinVar variation 1064080 (VCV001064080.7).

ClinVar aggregate classification (germline): Uncertain significance (1 of 4 stars; one submission).

Submission:

Labcorp Genetics (formerly Invitae), Labcorp
Classification: Uncertain significance. Last evaluated: 2017-07-11. Review status: criteria provided, single submitter. Criteria: Invitae Variant Classification Sherloc (09022015). Collection method: clinical testing. Allele origin: germline.
Comment: This variant has not been reported in the literature in individuals with HCN2-related disease. In summary, the available evidence is currently insufficient to determine the role of this variant in disease. Therefore, it has been classified as a Variant of Uncertain Significance. The current clinical and genetic evidence is not sufficient to establish whether loss-of-function variants in HCN2 cause disease. This variant is a gross duplication of the genomic region encompassing exons 2-5 of the HCN2 gene. While the exact position of the duplicated exons cannot be determined from this data, the duplicated copy of this region is likely in tandem and may result in an absent or disrupted protein product.